The following is an entry in ClinVar:

NM_001843.4(CNTN1):c.1921A>T (p.Thr641Ser)

Gene: CNTN1 (contactin 1; plus strand). Cytogenetic location: 12q12.
Variant type: single nucleotide variant.
Coding change: c.1921A>T on transcript NM_001843.4 (MANE Select); coding-DNA position 1921, A replaced by T.
Protein change: p.Thr641Ser; replaces threonine 641 with serine.
Molecular consequence: missense variant.
Genome position (GRCh38, 1-based): chr12:40,981,025, A>T. VCF-style: chr12-40981025-A-T. GRCh37 (hg19) VCF-style: chr12-41374827-A-T.
Other names: c.1888A>T, p.Thr630Ser (NM_175038.2); short protein forms T641S, T630S.
Identifiers: ClinVar variation 469416 (VCV000469416.6), dbSNP rs1555193694, ClinGen allele CA384585975.
Genomic context (GRCh38, chr12:40,981,025, plus strand): 5'-GCACTTACTTGGAGCCGTGGTTCAGACAATCATAGTCCTATTTCTAAATACACTATCCAG[A>T]CCAAGACTATTCTTTCAGATGACTGGAAAGATGCAAAGACAGGTGAGTTTTATTTGTCTG-3'
Protein context (NP_001834.2, residues 631-651): HSPISKYTIQ[Thr641Ser]KTILSDDWKD

ClinVar aggregate classification (germline): Uncertain significance (1 of 4 stars; one submission).

Conditions:
Compton-North congenital myopathy (CMYO12). Identifiers: Orphanet 210163, MedGen C2675527, MONDO:0012929, OMIM 612540.

Allele frequency attached by ClinVar (database versions not stated): gnomAD exomes below 0.00001; TOPMed 0.00001.
gnomAD v4.1: 2 of 1,613,508 alleles (0.00012%); highest among the groups gnomAD compares: Non-Finnish European, 0.00017%; no homozygotes.

Submission:

Labcorp Genetics (formerly Invitae), Labcorp
Classification: Uncertain significance for Compton-North congenital myopathy. Last evaluated: 2021-08-31. Review status: criteria provided, single submitter. Criteria: Invitae Variant Classification Sherloc (09022015). Collection method: clinical testing. Allele origin: germline.
Comment: This sequence change replaces threonine with serine at codon 641 of the CNTN1 protein (p.Thr641Ser). The threonine residue is moderately conserved and there is a small physicochemical difference between threonine and serine. This variant is not present in population databases (ExAC no frequency). This variant has not been reported in the literature in individuals affected with CNTN1-related conditions. Algorithms developed to predict the effect of missense changes on protein structure and function (SIFT, PolyPhen-2, Align-GVGD) all suggest that this variant is likely to be tolerated. In summary, the available evidence is currently insufficient to determine the role of this variant in disease. Therefore, it has been classified as a Variant of Uncertain Significance.